The following is an entry in ClinVar:

NM_000222.3(KIT):c.2484C>G (p.Asn828Lys)

Gene: KIT (KIT proto-oncogene, receptor tyrosine kinase; plus strand). Cytogenetic location: 4q12.
Variant type: single nucleotide variant.
Coding change: c.2484C>G on transcript NM_000222.3 (MANE Select); coding-DNA position 2484, C replaced by G.
Protein change: p.Asn828Lys; replaces asparagine 828 with lysine.
Molecular consequence: missense variant.
Genome position (GRCh38, 1-based): chr4:54,733,192, C>G. VCF-style: chr4-54733192-C-G. GRCh37 (hg19) VCF-style: chr4-55599358-C-G.
Other names: c.2472C>G, p.Asn824Lys (NM_001093772.2, NM_001385292.1); c.2487C>G, p.Asn829Lys (NM_001385284.1); c.2481C>G, p.Asn827Lys (NM_001385285.1); c.2469C>G, p.Asn823Lys (NM_001385286.1); c.2475C>G, p.Asn825Lys (NM_001385288.1); c.2484C>G, p.Asn828Lys (NM_001385290.1); short protein forms N824K, N828K, N827K, N823K, N825K, N829K.
Identifiers: ClinVar variation 1505637 (VCV001505637.6), dbSNP rs141347955, ClinGen allele CA356912100.
Genomic context (GRCh38, chr4:54,733,192, plus strand): 5'-TTGTGATTTTGGTCTAGCCAGAGACATCAAGAATGATTCTAATTATGTGGTTAAAGGAAA[C>G]GTGAGTACCCATTCTCTGCTTGACAGTCCTGCAAAGGATTTTTAGTTTCAACTTTCGATA-3'
Protein context (NP_000213.1, residues 818-838): KNDSNYVVKG[Asn828Lys]ARLPVKWMAP

ClinVar aggregate classification (germline): Uncertain significance (1 of 4 stars; one submission).

Conditions:
Gastrointestinal stromal tumor. Also called: Gastrointestinal stromal tumor, somatic; Gastrointestinal stroma tumor. Identifiers: Orphanet 44890, MedGen C0238198, MeSH D046152, MONDO:0011719, OMIM 606764, HP:0100723.

Submission:

Labcorp Genetics (formerly Invitae), Labcorp
Classification: Uncertain significance for Gastrointestinal stromal tumor. Last evaluated: 2024-04-30. Review status: criteria provided, single submitter. Criteria: Invitae Variant Classification Sherloc (09022015). Collection method: clinical testing. Allele origin: germline.
Comment: This sequence change replaces asparagine, which is neutral and polar, with lysine, which is basic and polar, at codon 828 of the KIT protein (p.Asn828Lys). This variant is not present in population databases (gnomAD no frequency). This variant has not been reported in the literature in individuals affected with KIT-related conditions. ClinVar contains an entry for this variant (Variation ID: 1505637). An algorithm developed to predict the effect of missense changes on protein structure and function (PolyPhen-2) suggests that this variant is likely to be disruptive. In summary, the available evidence is currently insufficient to determine the role of this variant in disease. Therefore, it has been classified as a Variant of Uncertain Significance.